The following is an entry in ClinVar:

NM_006231.4(POLE):c.941C>T (p.Ser314Leu)

Gene: POLE (DNA polymerase epsilon, catalytic subunit; minus strand). Cytogenetic location: 12q24.33.
Variant type: single nucleotide variant.
Coding change: c.941C>T on transcript NM_006231.4 (MANE Select); coding-DNA position 941, C replaced by T.
Protein change: p.Ser314Leu; replaces serine 314 with leucine.
Molecular consequence: missense variant.
Genome position (GRCh38, 1-based): chr12:132,676,173, G>A on the plus strand (C>T on the coding strand, the complement: POLE is on the minus strand). VCF-style: chr12-132676173-G-A. GRCh37 (hg19) VCF-style: chr12-133252759-G-A.
Other names: c.941C>T (NM_006231.2); short protein forms S314L.
Identifiers: ClinVar variation 4773288 (VCV004773288.2).

ClinVar aggregate classification (germline): Uncertain significance. Review status: criteria provided, multiple submitters, no conflicts (2 of 4 stars). 2 submissions from 2 submitters: Uncertain significance (2). Last evaluated 2026-09-07.

Conditions:
Hereditary cancer-predisposing syndrome. Also called: Hereditary Cancer Syndrome; Hereditary neoplastic syndrome; Neoplastic Syndromes, Hereditary; Tumor predisposition. Identifiers: Orphanet 140162, MedGen C0027672, MeSH D009386, MONDO:0015356.

Submissions (2):

Ambry Genetics
Classification: Uncertain significance for Hereditary cancer-predisposing syndrome. Last evaluated: 2026-09-07. Review status: criteria provided, single submitter. Criteria: Ambry Variant Classification Scheme 2023. Collection method: clinical testing. Allele origin: germline.
Comment: The p.S314L variant (also known as c.941C>T), located in coding exon 10 of the POLE gene, results from a C to T substitution at nucleotide position 941. The serine at codon 314 is replaced by leucine, an amino acid with dissimilar properties. This amino acid position is conserved. In addition, the in silico prediction for this alteration is inconclusive. Based on the available evidence, the clinical significance of this variant remains unclear.

Labcorp Genetics (formerly Invitae), Labcorp
Classification: Uncertain significance. Last evaluated: 2025-06-18. Review status: criteria provided, single submitter. Criteria: Invitae Variant Classification Sherloc (09022015). Collection method: clinical testing. Allele origin: germline.
Comment: This sequence change replaces serine, which is neutral and polar, with leucine, which is neutral and non-polar, at codon 314 of the POLE protein (p.Ser314Leu). This variant is not present in population databases (gnomAD no frequency). This variant has not been reported in the literature in individuals affected with POLE-related conditions. Invitae Evidence Modeling of protein sequence and biophysical properties (such as structural, functional, and spatial information, amino acid conservation, physicochemical variation, residue mobility, and thermodynamic stability) indicates that this missense variant is expected to disrupt POLE protein function with a positive predictive value of 80%. In summary, the available evidence is currently insufficient to determine the role of this variant in disease. Therefore, it has been classified as a Variant of Uncertain Significance.